The following is an entry in ClinVar:

ClinVar aggregate classification (germline): Likely pathogenic. Review status: criteria provided, multiple submitters, no conflicts (2 of 4 stars). 2 submissions from 2 submitters: Likely pathogenic (2). Last evaluated 2023-12-15.

Conditions:
Cornelia de Lange syndrome 1 (CDLS1). Also called: Brachmann de Lange syndrome; NIPBL-Related Cornelia de Lange Syndrome; TYPUS DEGENERATIVUS AMSTELODAMENSIS. Identifiers: Orphanet 199, MedGen C4551851, MONDO:0007387, OMIM 122470.

Submissions (2):

3billion
Classification: Likely pathogenic for Cornelia de Lange syndrome 1. Last evaluated: 2023-12-15. Review status: criteria provided, single submitter. Criteria: ACMG Guidelines, 2015. Collection method: clinical testing. Allele origin: germline. Affected: yes.
Comment: The variant is not observed in the gnomAD v2.1.1 dataset. Predicted Consequence/Location: Missense variant In silico tool predictions suggest damaging effect of the variant on gene or gene product [REVEL: 0.92 (>=0.6, sensitivity 0.68 and specificity 0.92); 3Cnet: 0.86 (>=0.6, sensitivity 0.72 and precision 0.9)]. Same nucleotide change resulting in same amino acid change (ClinVar ID: VCV000159226 /PMID: 17106445) and a different missense change at the same codon (p.Ala2436Val / ClinVar ID: VCV001685983)have been previously reported to be associated with NIPBL related disorder.The variant has been previously reported as assumed (i.e. paternity and maternity not confirmed) de novo in at least one similarly affected unrelated individual (PMID: 17106445). Therefore, this variant is classified as Likely pathogenic according to the recommendation of ACMG/AMP guideline.

Genetic Services Laboratory, University of Chicago
Classification: Likely pathogenic for Cornelia de Lange syndrome 1. Last evaluated: 2013-02-08. Review status: criteria provided, single submitter. Criteria: ACMG Guidelines, 2007. Collection method: clinical testing. Allele origin: germline. Inheritance: Autosomal dominant inheritance. Affected: yes.

Literature cited by the submitters: PubMed 17106445 (cited by 3billion).

NM_133433.4(NIPBL):c.7306G>A (p.Ala2436Thr)

Gene: NIPBL (NIPBL cohesin loading factor; plus strand). Cytogenetic location: 5p13.2.
Variant type: single nucleotide variant.
Coding change: c.7306G>A on transcript NM_133433.4 (MANE Select); coding-DNA position 7306, G replaced by A.
Protein change: p.Ala2436Thr; replaces alanine 2436 with threonine.
Molecular consequence: missense variant.
Genome position (GRCh38, 1-based): chr5:37,057,228, G>A. VCF-style: chr5-37057228-G-A. GRCh37 (hg19) VCF-style: chr5-37057330-G-A.
Other names: c.7306G>A, p.Ala2436Thr (NM_015384.5); short protein forms A2436T.
Identifiers: ClinVar variation 159226 (VCV000159226.7), dbSNP rs587784039, ClinGen allele CA272296.